The following is an entry in ClinVar:

ClinVar aggregate classification (germline): Uncertain significance (1 of 4 stars; one submission).

Conditions:
Werner syndrome (WRN). Identifiers: Orphanet 902, MedGen C0043119, MONDO:0010196, OMIM 277700.

Submission:

Labcorp Genetics (formerly Invitae), Labcorp
Classification: Uncertain significance for Werner syndrome. Last evaluated: 2023-05-31. Review status: criteria provided, single submitter. Criteria: Invitae Variant Classification Sherloc (09022015). Collection method: clinical testing. Allele origin: germline.
Comment: In summary, the available evidence is currently insufficient to determine the role of this variant in disease. Therefore, it has been classified as a Variant of Uncertain Significance. Experimental studies and prediction algorithms are not available or were not evaluated, and the functional significance of this variant is currently unknown. ClinVar contains an entry for this variant (Variation ID: 935400). This variant has not been reported in the literature in individuals affected with WRN-related conditions. This variant is not present in population databases (gnomAD no frequency). This variant, c.1516_1518del, results in the deletion of 1 amino acid(s) of the WRN protein (p.Lys506del), but otherwise preserves the integrity of the reading frame.

NM_000553.6(WRN):c.1516_1518del (p.Lys506del)

Gene: WRN (WRN RecQ like helicase; plus strand). Cytogenetic location: 8p12.
Variant type: Deletion.
Coding change: c.1516_1518del on transcript NM_000553.6 (MANE Select); coding-DNA positions 1516 to 1518, 3 bases deleted (AAA; older notation c.1516_1518delAAA).
Protein change: p.Lys506del; deletes lysine 506.
Molecular consequence: inframe deletion.
Genome position (GRCh38, 1-based): chr8:31,087,860-31,087,862, AAA deleted. VCF-style (leftmost placement, unchanged base first): chr8-31087859-TAAA-T. GRCh37 (hg19) VCF-style: chr8-30945375-TAAA-T.
Other names: short protein forms K506del.
Identifiers: ClinVar variation 935400 (VCV000935400.6), dbSNP rs1813594271, ClinGen allele CA1139660421.